The following is an entry in ClinVar:

ClinVar aggregate classification (germline): Likely benign (1 of 4 stars; one submission).

gnomAD v4.1: 1 of 1,613,932 alleles (0.000062%); highest among the groups gnomAD compares: Non-Finnish European, 0.000085%; no homozygotes.

Submission:

GeneDx
Classification: Likely benign. Last evaluated: 2016-05-27. Review status: criteria provided, single submitter. Criteria: GeneDx Variant Classification (06012015). Collection method: clinical testing. Allele origin: germline. Affected: yes.
Comment: This variant is considered likely benign or benign based on one or more of the following criteria: it is a conservative change, it occurs at a poorly conserved position in the protein, it is predicted to be benign by multiple in silico algorithms, and/or has population frequency not consistent with disease.

NM_012062.5(DNM1L):c.138G>A (p.Val46=)

Gene: DNM1L (dynamin 1 like; plus strand). Cytogenetic location: 12p11.21.
Variant type: single nucleotide variant.
Coding change: c.138G>A on transcript NM_012062.5 (MANE Select); coding-DNA position 138, G replaced by A.
Protein change: p.Val46=; no amino-acid change (valine 46 retained).
Molecular consequence: synonymous variant. On other transcripts: 5 prime UTR variant (1).
Genome position (GRCh38, 1-based): chr12:32,701,450, G>A. VCF-style: chr12-32701450-G-A. GRCh37 (hg19) VCF-style: chr12-32854384-G-A.
Other names: c.138G>A, p.Val46= (NM_001278463.2, NM_001278464.2, NM_001278465.2 and 3 more transcripts); c.-68G>A (NM_001278466.2).
Identifiers: ClinVar variation 386428 (VCV000386428.1), dbSNP rs1057522500, ClinGen allele CA16606593.
Genomic context (GRCh38, chr12:32,701,450, plus strand): 5'-GCTCTTGTATATATTCTGTTTTCAGAGCAGCGGAAAGAGCTCAGTGCTAGAAAGCCTGGT[G>A]GGGAGGGACCTGCTTCCCAGAGGTACTGGAATTGTCACCCGGAGACCTCTCATTCTGCAA-3'
Protein context (NP_036192.2, residues 36-56): SGKSSVLESL[Val46=]GRDLLPRGTG